The following is an entry in ClinVar:

NM_024105.4(ALG12):c.1288A>G (p.Thr430Ala)

Gene: ALG12 (ALG12 alpha-1,6-mannosyltransferase; minus strand). Cytogenetic location: 22q13.33.
Variant type: single nucleotide variant.
Coding change: c.1288A>G on transcript NM_024105.4 (MANE Select); coding-DNA position 1288, A replaced by G.
Protein change: p.Thr430Ala; replaces threonine 430 with alanine.
Molecular consequence: missense variant.
Genome position (GRCh38, 1-based): chr22:49,904,017, T>C on the plus strand (A>G on the coding strand, the complement: ALG12 is on the minus strand). VCF-style: chr22-49904017-T-C. GRCh37 (hg19) VCF-style: chr22-50297665-T-C.
Other names: short protein forms T430A.
Identifiers: ClinVar variation 235219 (VCV000235219.3), dbSNP rs878852984, ClinGen allele CA10581245.
Genomic context (GRCh38, chr22:49,904,017, plus strand): 5'-CCCGGTGTGTGTCCCTGTAGAGGGCCAGGAGCCCAGGGGCCGCCTCCATGAGGATGTGTG[T>C]GTATGCCAGCATGCCTGTCCCCGGCTGCACATCCTCCCTCTTGTCGTACCTGTGGGATGA-3'
Protein context (NP_077010.1, residues 420-440): VQPGTGMLAY[Thr430Ala]HILMEAAPGL

ClinVar aggregate classification (germline): Uncertain significance (1 of 4 stars; one submission).

Submission:

Center for Pediatric Genomic Medicine, Children's Mercy Hospital and Clinics
Classification: Uncertain significance. Last evaluated: 2015-09-25. Review status: criteria provided, single submitter. Criteria: ACMG Guidelines, 2015. Collection method: clinical testing. Allele origin: germline.
ClinVar note: Converted during submission from Uncertain Significance to Uncertain significance.